The following is an entry in ClinVar:

NM_000212.3(ITGB3):c.1260G>A (p.Thr420=)

Gene: ITGB3 (integrin subunit beta 3; plus strand). Cytogenetic location: 17q21.32.
Variant type: single nucleotide variant.
Coding change: c.1260G>A on transcript NM_000212.3 (MANE Select); coding-DNA position 1260, G replaced by A.
Protein change: p.Thr420=; no amino-acid change (threonine 420 retained).
Molecular consequence: synonymous variant.
Genome position (GRCh38, 1-based): chr17:47,291,088, G>A. VCF-style: chr17-47291088-G-A. GRCh37 (hg19) VCF-style: chr17-45368454-G-A.
Identifiers: ClinVar variation 996184 (VCV000996184.8), dbSNP rs74458693, ClinGen allele CA8623200.

ClinVar aggregate classification (germline): Likely pathogenic. Review status: reviewed by expert panel (3 of 4 stars). 3 submissions from 3 submitters: Likely pathogenic (1). 2 of the submissions do not count toward it. Last evaluated 2023-11-02.

Conditions:
Glanzmann thrombasthenia. Also called: Glanzmann's thrombasthenia; THROMBASTHENIA OF GLANZMANN AND NAEGELI; Thrombasthenia; PLATELET GLYCOPROTEIN IIb-IIIa DEFICIENCY. Identifiers: Orphanet 849, MedGen C0040015, MONDO:0100326.

Allele frequency attached by ClinVar (database versions not stated): TOPMed below 0.00001; ExAC 0.00001; gnomAD 0.00001; gnomAD exomes 0.00001.
gnomAD v4.1: 9 of 1,613,980 alleles (0.00056%); highest among the groups gnomAD compares: African/African-American, 0.0027%; no homozygotes.

Submissions (4):

ClinGen Platelet Disorders Variant Curation Expert Panel, ClinGen
Classification: Likely pathogenic for Glanzmann thrombasthenia. Last evaluated: 2023-11-02. Review status: reviewed by expert panel. Criteria: ClinGen Platelet ACMG Specifications v2-1. Collection method: curation. Allele origin: germline. Inheritance: Autosomal recessive inheritance.
Comment: The ITGB3 synonymous variant NM_000212.3:c.1260G>A is predicted to lead to loss of the adjacent canonical splice donor and in vitro minigene assays and sequence analysis of patient mRNA suggest the variant results in the in frame deletion of exon 9 (PMID: 8878424; PM4). This variant has been observed in homozygosity in two individuals (Patient RS in PMID: 8878424 and GT50 in PMID: 25728920; PM3), at least one of which was reported to have a phenotype specific for Glanzmann's thrombasthenia (PMID: 25728920, GT50; PP4_moderate). Furthermore, the variant is rare in control population databases (MAF<1/10,000; PM2_supporting). In summary, this variant meets criteria to be classified as likely pathogenic for GT. GT-specific criteria applied: PM3, PM4, PM2_supporting, PP3, PP4_moderate.

Dasa
Classification: Pathogenic. Last evaluated: 2026-04-15. Review status: criteria provided, single submitter. Criteria: DASA Assertion Criteria. Collection method: clinical testing. Allele origin: germline. Not counted in ClinVar's aggregate classification.
Comment: NM_000212.3(ITGB3):c.1260G>A (p.Thr420=) is predicted to result in loss of normal protein function. Loss-of-function is an established mechanism of disease for this gene. This variant has been recurrently observed in affected individuals with related phenotype in a genotype context consistent with recessive disease (PMID: 8878424; PMID: 20020534; PMID: 25728920). Functional evidence supports a deleterious effect on the gene or gene product (PMID: 8878424; PMID: 20020534; PMID: 25728920). Multiple computational predictions support a deleterious effect on the gene or gene product. The variant is present at low frequency in population datasets. Based on the available data, this variant is classified as pathogenic.

Labcorp Genetics (formerly Invitae), Labcorp
Classification: Pathogenic. Last evaluated: 2025-05-13. Review status: criteria provided, single submitter. Criteria: Invitae Variant Classification Sherloc (09022015). Collection method: clinical testing. Allele origin: germline. Not counted in ClinVar's aggregate classification.
Comment: This sequence change affects codon 420 of the ITGB3 mRNA. It is a 'silent' change, meaning that it does not change the encoded amino acid sequence of the ITGB3 protein. RNA analysis indicates that this variant induces altered splicing and may result in an absent or altered protein product. This variant is present in population databases (rs74458693, gnomAD 0.004%). This variant has been observed in individuals with autosomal recessive Glanzmann thrombasthenia (PMID: 8878424, 25728920, 30138987). This variant is also known as position 20624G>A. ClinVar contains an entry for this variant (Variation ID: 996184). Variants that disrupt the consensus splice site are a relatively common cause of aberrant splicing (PMID: 17576681, 9536098). Studies have shown that this variant results in skipping of exon 9 and activation of a cryptic splice site, and produces a non-functional protein and/or introduces a premature termination codon (PMID: 8878424). For these reasons, this variant has been classified as Pathogenic.

Dr. Peter K. Rogan Lab, Western University
No classification provided (evidence only). Condition: Cervical cancer. Review status: no classification provided. Collection method: in vitro. Allele origin: not applicable. Functional consequence: retained intron. Not counted in ClinVar's aggregate classification.

Literature cited by the submitters: PubMed 8878424 (cited by Dasa and Labcorp Genetics (formerly Invitae), Labcorp); PubMed 20020534 (cited by Dasa); PubMed 25728920 (cited by Dasa and Labcorp Genetics (formerly Invitae), Labcorp); PubMed 30138987 (cited by Labcorp Genetics (formerly Invitae), Labcorp); PubMed 17576681 (cited by Labcorp Genetics (formerly Invitae), Labcorp); PubMed 9536098 (cited by Labcorp Genetics (formerly Invitae), Labcorp).